The following is an entry in ClinVar:

NM_001366900.1(TTC21A):c.3850G>A (p.Glu1284Lys)

Gene: TTC21A (tetratricopeptide repeat domain 21A; plus strand). Cytogenetic location: 3p22.2.
Variant type: single nucleotide variant.
Coding change: c.3850G>A on transcript NM_001366900.1 (MANE Select); coding-DNA position 3850, G replaced by A.
Protein change: p.Glu1284Lys; replaces glutamic acid 1284 with lysine.
Molecular consequence: missense variant. On other transcripts: non-coding transcript variant (3).
Genome position (GRCh38, 1-based): chr3:39,138,609, G>A. VCF-style: chr3-39138609-G-A. GRCh37 (hg19) VCF-style: chr3-39180100-G-A.
Other names: c.3727G>A, p.Glu1243Lys (NM_001105513.3); c.3874G>A, p.Glu1292Lys (NM_001366899.1); c.3871G>A, p.Glu1291Lys (NM_145755.3); c.3871G>A (NM_145755.2); short protein forms E1243K, E1284K, E1291K, E1292K.
Identifiers: ClinVar variation 1879575 (VCV001879575.30), dbSNP rs80238762, ClinGen allele CA2325171.

ClinVar aggregate classification (germline): Benign. Review status: criteria provided, single submitter (1 of 4 stars). 2 submissions from 2 submitters: Benign (1). 1 of the submissions does not count toward it. Last evaluated 2026-07-01.

Conditions:
TTC21A-related disorder. Also called: TTC21A-related condition.

Allele frequency attached by ClinVar (database versions not stated): 1000 Genomes Project 0.00579; 1000 Genomes Project 30x 0.00640; ESP Exome Variant Server 0.00803; ExAC 0.00843; gnomAD 0.00846; TOPMed 0.00883; gnomAD exomes 0.01106.
gnomAD v4.1: 17,372 of 1,614,190 alleles (1.1%); highest among the groups gnomAD compares: Non-Finnish European, 1.3%; 129 homozygotes.

Submissions (2):

CeGaT Center for Human Genetics Tuebingen
Classification: Benign. Last evaluated: 2026-07-01. Review status: criteria provided, single submitter. Criteria: CeGaT Center For Human Genetics Tuebingen Variant Classification Criteria Version 2. Collection method: clinical testing. Allele origin: germline. Affected: yes. Observed: 10 variant alleles.
Comment: TTC21A: BS1, BS2

PreventionGenetics, part of Exact Sciences
Classification: Benign for TTC21A-related condition. Last evaluated: 2024-08-14. Review status: no assertion criteria provided. Collection method: clinical testing. Allele origin: germline. Not counted in ClinVar's aggregate classification.
Comment: This variant is classified as benign based on ACMG/AMP sequence variant interpretation guidelines (Richards et al. 2015 PMID: 25741868, with internal and published modifications).